The following is an entry in ClinVar:

ClinVar aggregate classification (germline): Uncertain significance. Review status: criteria provided, multiple submitters, no conflicts (2 of 4 stars). 2 submissions from 2 submitters: Uncertain significance (2). Last evaluated 2024-12-18.

Conditions:
Hereditary cancer-predisposing syndrome. Also called: Neoplastic Syndromes, Hereditary; Tumor predisposition; Hereditary Cancer Syndrome; Hereditary neoplastic syndrome. Identifiers: Orphanet 140162, MedGen C0027672, MeSH D009386, MONDO:0015356.
Ataxia-telangiectasia syndrome (AT). Also called: Ataxia telangiectasia (A-T); ATAXIA-TELANGIECTASIA, COMPLEMENTATION GROUP A; ATAXIA-TELANGIECTASIA, FRESNO VARIANT; Ataxia-telangiectasia; Ataxia-telangiectasia, complementation group E; LOUIS-BAR SYNDROME. Identifiers: Orphanet 100, MedGen C0004135, MONDO:0008840, OMIM 208900.

Submissions (2):

Ambry Genetics
Classification: Uncertain significance for Hereditary cancer-predisposing syndrome. Last evaluated: 2024-12-18. Review status: criteria provided, single submitter. Criteria: Ambry Variant Classification Scheme 2023. Collection method: clinical testing. Allele origin: germline.
Comment: The p.R2912T variant (also known as c.8735G>C), located in coding exon 59 of the ATM gene, results from a G to C substitution at nucleotide position 8735. The arginine at codon 2912 is replaced by threonine, an amino acid with similar properties. This amino acid position is highly conserved in available vertebrate species. In addition, this alteration is predicted to be deleterious by in silico analysis. Based on the available evidence, the clinical significance of this variant remains unclear.

Labcorp Genetics (formerly Invitae), Labcorp
Classification: Uncertain significance for Ataxia-telangiectasia syndrome. Last evaluated: 2020-06-15. Review status: criteria provided, single submitter. Criteria: Invitae Variant Classification Sherloc (09022015). Collection method: clinical testing. Allele origin: germline.
Comment: This sequence change replaces arginine with threonine at codon 2912 of the ATM protein (p.Arg2912Thr). The arginine residue is highly conserved and there is a moderate physicochemical difference between arginine and threonine. This variant is not present in population databases (ExAC no frequency). This variant has not been reported in the literature in individuals with ATM-related conditions. Algorithms developed to predict the effect of missense changes on protein structure and function (SIFT, PolyPhen-2, Align-GVGD) all suggest that this variant is likely to be disruptive, but these predictions have not been confirmed by published functional studies and their clinical significance is uncertain. In summary, the available evidence is currently insufficient to determine the role of this variant in disease. Therefore, it has been classified as a Variant of Uncertain Significance.

NM_000051.4(ATM):c.8735G>C (p.Arg2912Thr)

Genes: ATM (ATM serine/threonine kinase; plus strand), C11orf65 (chromosome 11 open reading frame 65; minus strand). Cytogenetic location: 11q22.3.
Variant type: single nucleotide variant.
Coding change: c.8735G>C on transcript NM_000051.4 (MANE Select); coding-DNA position 8735, G replaced by C.
Protein change: p.Arg2912Thr; replaces arginine 2912 with threonine.
Molecular consequence: missense variant. On other transcripts: intron variant (2).
Genome position (GRCh38, 1-based): chr11:108,353,829, G>C. VCF-style: chr11-108353829-G-C. GRCh37 (hg19) VCF-style: chr11-108224556-G-C.
Other names: c.8735G>C, p.Arg2912Thr (NM_001351834.2); c.640+32091C>G (NM_001330368.2); c.695-18537C>G (NM_001351110.2); short protein forms R2912T.
Identifiers: ClinVar variation 1008710 (VCV001008710.10), dbSNP rs2089507361, ClinGen allele CA382523936.